The following is an entry in ClinVar:

ClinVar aggregate classification (germline): Conflicting classifications of pathogenicity. Review status: criteria provided, conflicting classifications (1 of 4 stars). 4 submissions from 3 submitters: Uncertain significance (1); Likely benign (3). Last evaluated 2025-11-08.

Conditions:
Leydig cell agenesis. Also called: LEYDIG CELL HYPOPLASIA WITH MALE PSEUDOHERMAPHRODITISM; LEYDIG CELL HYPOPLASIA, COMPLETE; HYPERGONADOTROPIC HYPOGONADISM, MALE, DUE TO LHCGR DEFECT; Leydig cell hypoplasia, type 1. Identifiers: MedGen C0266432, MONDO:0009384, OMIM 238320.
Gonadotropin-independent familial sexual precocity. Also called: TESTOTOXICOSIS, FAMILIAL; Familial male-limited precocious puberty. Identifiers: Orphanet 3000, MedGen C0342549, MONDO:0008303, OMIM 176410.

Allele frequency attached by ClinVar (database versions not stated): 1000 Genomes Project 30x 0.00016; 1000 Genomes Project 0.00020; TOPMed 0.00028; gnomAD 0.00035.

Submissions (4):

Labcorp Genetics (formerly Invitae), Labcorp
Classification: Likely benign. Last evaluated: 2025-11-08. Review status: criteria provided, single submitter. Criteria: Invitae Variant Classification Sherloc (09022015). Collection method: clinical testing. Allele origin: germline.

GeneDx
Classification: Uncertain significance. Last evaluated: 2019-05-29. Review status: criteria provided, single submitter. Criteria: GeneDx Variant Classification Process June 2021. Collection method: clinical testing. Allele origin: germline. Affected: yes.
Comment: In silico analysis, which includes protein predictors and evolutionary conservation, supports that this variant does not alter protein structure/function; This variant is associated with the following publications: (PMID: 23884663)

Illumina Laboratory Services, Illumina
Classification: Likely benign for Leydig cell agenesis. Last evaluated: 2017-04-28. Review status: criteria provided, single submitter. Criteria: ICSL Variant Classification Criteria 13 December 2019. Collection method: clinical testing. Allele origin: germline.
Comment: This variant was observed as part of a predisposition screen in an ostensibly healthy population. A literature search was performed for the gene, cDNA change, and amino acid change (where applicable). No publications were found based on this search. Allele frequency data from public databases allowed determination this variant is unlikely to cause disease. Therefore, this variant is classified as likely benign.

Illumina Laboratory Services, Illumina
Classification: Likely benign for Gonadotropin-independent familial sexual precocity. Last evaluated: 2017-04-28. Review status: criteria provided, single submitter. Criteria: ICSL Variant Classification Criteria 13 December 2019. Collection method: clinical testing. Allele origin: germline.
Comment: the same text as in the submission from Illumina Laboratory Services, Illumina above.

NM_000233.4(LHCGR):c.430G>A (p.Val144Ile)

Genes: STON1-GTF2A1L (STON1-GTF2A1L readthrough; plus strand), LHCGR (luteinizing hormone/choriogonadotropin receptor; minus strand). Cytogenetic location: 2p16.3.
Variant type: single nucleotide variant.
Coding change: c.430G>A on transcript NM_000233.4 (MANE Select); coding-DNA position 430, G replaced by A.
Protein change: p.Val144Ile; replaces valine 144 with isoleucine.
Molecular consequence: missense variant. On other transcripts: intron variant (1).
Genome position (GRCh38, 1-based): chr2:48,723,650, C>T on the plus strand (G>A on the coding strand, the complement: LHCGR is on the minus strand). VCF-style: chr2-48723650-C-T. GRCh37 (hg19) VCF-style: chr2-48950789-C-T.
Other names: c.3441+51970C>T (NM_001198593.2); short protein forms V144I.
Identifiers: ClinVar variation 336466 (VCV000336466.11), dbSNP rs121912539, ClinGen allele CA1653324.
Genomic context (GRCh38, chr2:48,723,650, plus strand): 5'-CTGTTATGCATAGCAATCAGCCTGGTACTTACAGAATGAAATTTGATTCAGAGGAGAAGA[C>T]CTTCGTAACATCTGGAAACTTTCTGATGCCTGTGTTACAGATGCTCCTGTGATTAGGGAC-3'
Protein context (NP_000224.2, residues 134-154): GIRKFPDVTK[Val144Ile]FSSESNFILE